The following is an entry in ClinVar:

ClinVar aggregate classification (germline): Uncertain significance (1 of 4 stars; one submission).

Conditions:
MHC class II deficiency. Also called: BLS, TYPE II; Bare lymphocyte syndrome 2. Identifiers: Orphanet 572, MedGen C5447452, MONDO:0008855.

Allele frequency attached by ClinVar (database versions not stated): gnomAD exomes below 0.00001 and 0.00001; TOPMed below 0.00001.
gnomAD v4.1: 19 of 1,613,982 alleles (0.0012%); highest among the groups gnomAD compares: Non-Finnish European, 0.0015%; no homozygotes.

Submission:

Labcorp Genetics (formerly Invitae), Labcorp
Classification: Uncertain significance for MHC class II deficiency. Last evaluated: 2021-10-13. Review status: criteria provided, single submitter. Criteria: Invitae Variant Classification Sherloc (09022015). Collection method: clinical testing. Allele origin: germline.
Comment: In summary, the available evidence is currently insufficient to determine the role of this variant in disease. Therefore, it has been classified as a Variant of Uncertain Significance. Algorithms developed to predict the effect of missense changes on protein structure and function are either unavailable or do not agree on the potential impact of this missense change (SIFT: "Tolerated"; PolyPhen-2: "Possibly Damaging"; Align-GVGD: "Class C0"). This variant has not been reported in the literature in individuals affected with RFX5-related conditions. This variant is not present in population databases (ExAC no frequency). This sequence change replaces proline with serine at codon 259 of the RFX5 protein (p.Pro259Ser). The proline residue is weakly conserved and there is a moderate physicochemical difference between proline and serine.

NM_001025603.2(RFX5):c.775C>T (p.Pro259Ser)

Gene: RFX5 (regulatory factor X5; minus strand). Cytogenetic location: 1q21.3.
Variant type: single nucleotide variant.
Coding change: c.775C>T on transcript NM_001025603.2 (MANE Select); coding-DNA position 775, C replaced by T.
Protein change: p.Pro259Ser; replaces proline 259 with serine.
Molecular consequence: missense variant.
Genome position (GRCh38, 1-based): chr1:151,343,425, G>A on the plus strand (C>T on the coding strand, the complement: RFX5 is on the minus strand). VCF-style: chr1-151343425-G-A. GRCh37 (hg19) VCF-style: chr1-151315901-G-A.
Other names: c.775C>T, p.Pro259Ser (NM_000449.4, NM_001379412.1, NM_001379413.1 and 5 more transcripts); c.655C>T, p.Pro219Ser (NM_001379419.1, NM_001379420.1); short protein forms P259S, P219S.
Identifiers: ClinVar variation 1421603 (VCV001421603.4), dbSNP rs896685181, ClinGen allele CA29559151.